The following is an entry in ClinVar:

ClinVar aggregate classification (germline): Likely benign. Review status: criteria provided, multiple submitters, no conflicts (2 of 4 stars). 2 submissions from 2 submitters: Likely benign (2). Last evaluated 2024-01-09.

Allele frequency attached by ClinVar (database versions not stated): ExAC 0.00006; gnomAD 0.00007; TOPMed 0.00008; ESP Exome Variant Server 0.00015; gnomAD exomes 0.00021.
gnomAD v4.1: 313 of 1,610,862 alleles (0.019%); highest among the groups gnomAD compares: Non-Finnish European, 0.025%; no homozygotes.

Submissions (2):

Blueprint Genetics
Classification: Likely benign. Last evaluated: 2024-01-09. Review status: criteria provided, single submitter. Criteria: ACMG Guidelines, 2015. Collection method: clinical testing. Allele origin: germline.

CeGaT Center for Human Genetics Tuebingen
Classification: Likely benign. Last evaluated: 2023-11-01. Review status: criteria provided, single submitter. Criteria: CeGaT Center For Human Genetics Tuebingen Variant Classification Criteria Version 2. Collection method: clinical testing. Allele origin: germline. Affected: yes. Observed: 1 variant allele.
Comment: IRF2BPL: BP4, BP7

NM_024496.4(IRF2BPL):c.957G>A (p.Ser319=)

Gene: IRF2BPL (interferon regulatory factor 2 binding protein like; minus strand). Cytogenetic location: 14q24.3.
Variant type: single nucleotide variant.
Coding change: c.957G>A on transcript NM_024496.4 (MANE Select); coding-DNA position 957, G replaced by A.
Protein change: p.Ser319=; no amino-acid change (serine 319 retained).
Molecular consequence: synonymous variant.
Genome position (GRCh38, 1-based): chr14:77,026,836, C>T on the plus strand (G>A on the coding strand, the complement: IRF2BPL is on the minus strand). VCF-style: chr14-77026836-C-T. GRCh37 (hg19) VCF-style: chr14-77493179-C-T.
Identifiers: ClinVar variation 2672562 (VCV002672562.24), dbSNP rs370738204, ClinGen allele CA7283793.